The following is an entry in ClinVar:

ClinVar aggregate classification (germline): Uncertain significance (1 of 4 stars; one submission).

Conditions:
Pyogenic arthritis-pyoderma gangrenosum-acne syndrome (PAPA). Also called: FAMILIAL RECURRENT ARTHRITIS; PAPA SYNDROME. Identifiers: Orphanet 69126, MedGen C1858361, MONDO:0011462, OMIM 604416.

Submission:

Labcorp Genetics (formerly Invitae), Labcorp
Classification: Uncertain significance for Pyogenic arthritis-pyoderma gangrenosum-acne syndrome. Last evaluated: 2025-04-08. Review status: criteria provided, single submitter. Criteria: Invitae Variant Classification Sherloc (09022015). Collection method: clinical testing. Allele origin: germline.
Comment: This variant, c.406_408del, results in the deletion of 1 amino acid(s) of the PSTPIP1 protein (p.Lys136del), but otherwise preserves the integrity of the reading frame. This variant is present in population databases (no rsID available, gnomAD 0.001%). This variant has not been reported in the literature in individuals affected with PSTPIP1-related conditions. Experimental studies and prediction algorithms are not available or were not evaluated, and the functional significance of this variant is currently unknown. In summary, the available evidence is currently insufficient to determine the role of this variant in disease. Therefore, it has been classified as a Variant of Uncertain Significance.

NM_003978.5(PSTPIP1):c.403AAG[1] (p.Lys136del)

Gene: PSTPIP1 (proline-serine-threonine phosphatase interacting protein 1; plus strand). Cytogenetic location: 15q24.3.
Variant type: Microsatellite.
Coding change: c.403AAG[1] on transcript NM_003978.5 (MANE Select); one copy of the 3-base unit AAG starting at c.403; the reference has two copies in a row; one copy, 3 bases deleted.
Protein change: p.Lys136del; deletes lysine 136.
Molecular consequence: inframe deletion. On other transcripts: non-coding transcript variant (1).
Genome position (GRCh38, 1-based): chr15:77,027,903-77,027,905, AAG deleted; deleting any 3 consecutive bases within chr15:77,027,900-77,027,905 gives the same sequence; the position shown is the placement nearest the transcript's 3' end. VCF-style (leftmost placement, unchanged base first): chr15-77027899-CAAG-C. GRCh37 (hg19) VCF-style: chr15-77320240-CAAG-C.
Other names: c.403AAG[1], p.Lys136del (NM_001321135.2, NM_001411086.1); c.376AAG[1], p.Lys127del (NM_001321136.2); c.598AAG[1], p.Lys201del (NM_001321137.1); short protein forms K136del, K201del, K127del.
Identifiers: ClinVar variation 2821024 (VCV002821024.3), dbSNP rs1209378240, ClinGen allele CA619192366.